The following is an entry in ClinVar:

NM_000222.3(KIT):c.1073A>C (p.Lys358Thr)

Gene: KIT (KIT proto-oncogene, receptor tyrosine kinase; plus strand). Cytogenetic location: 4q12.
Variant type: single nucleotide variant.
Coding change: c.1073A>C on transcript NM_000222.3 (MANE Select); coding-DNA position 1073, A replaced by C.
Protein change: p.Lys358Thr; replaces lysine 358 with threonine.
Molecular consequence: missense variant.
Genome position (GRCh38, 1-based): chr4:54,707,245, A>C. VCF-style: chr4-54707245-A-C. GRCh37 (hg19) VCF-style: chr4-55573411-A-C.
Other names: c.1073A>C, p.Lys358Thr (NM_001093772.2, NM_001385285.1, NM_001385286.1); c.1076A>C, p.Lys359Thr (NM_001385284.1, NM_001385288.1, NM_001385290.1 and 1 more transcripts); short protein forms K359T, K358T.
Identifiers: ClinVar variation 3864527 (VCV003864527.1).

ClinVar aggregate classification (germline): Uncertain significance (1 of 4 stars; one submission).

Conditions:
Hereditary cancer-predisposing syndrome. Also called: Hereditary neoplastic syndrome; Neoplastic Syndromes, Hereditary; Tumor predisposition; Hereditary Cancer Syndrome. Identifiers: Orphanet 140162, MedGen C0027672, MeSH D009386, MONDO:0015356.

Submission:

Ambry Genetics
Classification: Uncertain significance for Hereditary cancer-predisposing syndrome. Last evaluated: 2024-12-27. Review status: criteria provided, single submitter. Criteria: Ambry Variant Classification Scheme 2023. Collection method: clinical testing. Allele origin: germline.
Comment: The p.K358T variant (also known as c.1073A>C), located in coding exon 6 of the KIT gene, results from an A to C substitution at nucleotide position 1073. The lysine at codon 358 is replaced by threonine, an amino acid with similar properties. This amino acid position is conserved. In addition, this alteration is predicted to be tolerated by in silico analysis. Based on the available evidence, the clinical significance of this variant remains unclear.